The following is an entry in ClinVar:

NM_002872.5(RAC2):c.225G>A (p.Thr75=)

Gene: RAC2 (Rac family small GTPase 2; minus strand). Cytogenetic location: 22q13.1.
Variant type: single nucleotide variant.
Coding change: c.225G>A on transcript NM_002872.5 (MANE Select); coding-DNA position 225, G replaced by A.
Protein change: p.Thr75=; no amino-acid change (threonine 75 retained).
Molecular consequence: synonymous variant.
Genome position (GRCh38, 1-based): chr22:37,232,801, C>T on the plus strand (G>A on the coding strand, the complement: RAC2 is on the minus strand). VCF-style: chr22-37232801-C-T. GRCh37 (hg19) VCF-style: chr22-37628841-C-T.
Identifiers: ClinVar variation 2874377 (VCV002874377.3), dbSNP rs749816337, ClinGen allele CA10217576.

ClinVar aggregate classification (germline): Uncertain significance (1 of 4 stars; one submission).

Conditions:
Neutrophil immunodeficiency syndrome. Also called: Immunodeficiency 73A with defective neutrophil chemotaxis and leukocytosis. Identifiers: Orphanet 183707, MedGen C1842398, MONDO:0011988, OMIM 608203.

Allele frequency attached by ClinVar (database versions not stated): ExAC 0.00001; gnomAD 0.00001; TOPMed 0.00001.
gnomAD v4.1: 4 of 1,610,898 alleles (0.00025%); highest among the groups gnomAD compares: African/African-American, 0.004%; no homozygotes.

Submission:

Labcorp Genetics (formerly Invitae), Labcorp
Classification: Uncertain significance for Neutrophil immunodeficiency syndrome. Last evaluated: 2023-11-03. Review status: criteria provided, single submitter. Criteria: Invitae Variant Classification Sherloc (09022015). Collection method: clinical testing. Allele origin: germline.
Comment: This sequence change affects codon 75 of the RAC2 mRNA. It is a 'silent' change, meaning that it does not change the encoded amino acid sequence of the RAC2 protein. This variant also falls at the last nucleotide of exon 3, which is part of the consensus splice site for this exon. The frequency data for this variant in the population databases is considered unreliable, as metrics indicate poor data quality at this position in the gnomAD database. This variant has not been reported in the literature in individuals affected with RAC2-related conditions. Variants that disrupt the consensus splice site are a relatively common cause of aberrant splicing (PMID: 17576681, 9536098). Algorithms developed to predict the effect of sequence changes on RNA splicing suggest that this variant may disrupt the consensus splice site. In summary, the available evidence is currently insufficient to determine the role of this variant in disease. Therefore, it has been classified as a Variant of Uncertain Significance.

Literature cited by the submitters: PubMed 17576681; PubMed 9536098.